The following is an entry in ClinVar:

ClinVar aggregate classification (germline): Benign/Likely benign. Review status: criteria provided, multiple submitters, no conflicts (2 of 4 stars). 3 submissions from 3 submitters: Benign (2); Likely benign (1). Last evaluated 2026-01-24.

Allele frequency attached by ClinVar (database versions not stated): 1000 Genomes Project 0.00180; 1000 Genomes Project 30x 0.00187; TOPMed 0.00491; ESP Exome Variant Server 0.00550; gnomAD 0.00565 and 0.00578; gnomAD exomes 0.00573 and 0.00851; ExAC 0.00684.
gnomAD v4.1: 13,093 of 1,605,900 alleles (0.82%); highest among the groups gnomAD compares: Non-Finnish European, 0.97%; 80 homozygotes.

Submissions (3):

Labcorp Genetics (formerly Invitae), Labcorp
Classification: Benign. Last evaluated: 2026-01-24. Review status: criteria provided, single submitter. Criteria: Invitae Variant Classification Sherloc (09022015). Collection method: clinical testing. Allele origin: germline.

CeGaT Center for Human Genetics Tuebingen
Classification: Likely benign. Last evaluated: 2025-11-01. Review status: criteria provided, single submitter. Criteria: CeGaT Center For Human Genetics Tuebingen Variant Classification Criteria Version 2. Collection method: clinical testing. Allele origin: germline. Affected: yes. Observed: 7 variant alleles.
Comment: LAMA5: BP4, BP7, BS2

Breakthrough Genomics
Classification: Benign. Review status: criteria provided, single submitter. Criteria: ACMG Guidelines, 2015. Collection method: not provided. Allele origin: germline. Inheritance: Autosomal recessive inheritance. Affected: yes.

NM_005560.6(LAMA5):c.7305C>T (p.Asp2435=)

Gene: LAMA5 (laminin subunit alpha 5; minus strand). Cytogenetic location: 20q13.33.
Variant type: single nucleotide variant.
Coding change: c.7305C>T on transcript NM_005560.6 (MANE Select); coding-DNA position 7305, C replaced by T.
Protein change: p.Asp2435=; no amino-acid change (aspartic acid 2435 retained).
Molecular consequence: synonymous variant.
Genome position (GRCh38, 1-based): chr20:62,317,713, G>A on the plus strand (C>T on the coding strand, the complement: LAMA5 is on the minus strand). VCF-style: chr20-62317713-G-A. GRCh37 (hg19) VCF-style: chr20-60892769-G-A.
Identifiers: ClinVar variation 775439 (VCV000775439.32), dbSNP rs142980035, ClinGen allele CA9941300.
Genomic context (GRCh38, chr20:62,317,713, plus strand): 5'-TGCACTCACCTCCTTAGCCTGGTCCAGGCTGTGCAGCAATCTGAAGACGCTGGCCAGGGT[G>A]TCCCTAGCCGCATGCAGAGTGGCCTGCAGGGTGGCATTGTCCCGGGACAGCTCCTGCTTC-3'
Protein context (NP_005551.3, residues 2425-2445): TLQATLHAAR[Asp2435=]TLASVFRLLH